The following is an entry in ClinVar:

ClinVar aggregate classification (germline): Uncertain significance (1 of 4 stars; one submission).

Allele frequency attached by ClinVar (database versions not stated): gnomAD exomes below 0.00001.
gnomAD v4.1: 3 of 1,550,274 alleles (0.00019%); highest among the groups gnomAD compares: Admixed American, 0.0039%; no homozygotes.

Submission:

Labcorp Genetics (formerly Invitae), Labcorp
Classification: Uncertain significance. Last evaluated: 2023-05-15. Review status: criteria provided, single submitter. Criteria: Invitae Variant Classification Sherloc (09022015). Collection method: clinical testing. Allele origin: germline.
Comment: In summary, the available evidence is currently insufficient to determine the role of this variant in disease. Therefore, it has been classified as a Variant of Uncertain Significance. Advanced modeling of protein sequence and biophysical properties (such as structural, functional, and spatial information, amino acid conservation, physicochemical variation, residue mobility, and thermodynamic stability) performed at Invitae indicates that this missense variant is not expected to disrupt PDZD7 protein function. ClinVar contains an entry for this variant (Variation ID: 1348487). This variant has not been reported in the literature in individuals affected with PDZD7-related conditions. This variant is not present in population databases (gnomAD no frequency). This sequence change replaces alanine, which is neutral and non-polar, with serine, which is neutral and polar, at codon 553 of the PDZD7 protein (p.Ala553Ser).

NM_001195263.2(PDZD7):c.1657G>T (p.Ala553Ser)

Gene: PDZD7 (PDZ domain containing 7; minus strand). Cytogenetic location: 10q24.31.
Variant type: single nucleotide variant.
Coding change: c.1657G>T on transcript NM_001195263.2 (MANE Select); coding-DNA position 1657, G replaced by T.
Protein change: p.Ala553Ser; replaces alanine 553 with serine.
Molecular consequence: missense variant.
Genome position (GRCh38, 1-based): chr10:101,015,728, C>A on the plus strand (G>T on the coding strand, the complement: PDZD7 is on the minus strand). VCF-style: chr10-101015728-C-A. GRCh37 (hg19) VCF-style: chr10-102775485-C-A.
Other names: short protein forms A553S.
Identifiers: ClinVar variation 1348487 (VCV001348487.6), dbSNP rs1852590394, ClinGen allele CA378226965.